The following is an entry in ClinVar:

ClinVar aggregate classification (germline): Uncertain significance (1 of 4 stars; one submission).

Conditions:
LAMA2-related muscular dystrophy (LAMA2-RD). Also called: Laminin alpha 2-related dystrophy. Identifiers: MedGen C5679788, MONDO:0100228.

Allele frequency attached by ClinVar (database versions not stated): gnomAD exomes below 0.00001; TOPMed 0.00001.
gnomAD v4.1: 2 of 1,614,128 alleles (0.00012%); highest among the groups gnomAD compares: East Asian, 0.0022%; no homozygotes.

Submission:

Labcorp Genetics (formerly Invitae), Labcorp
Classification: Uncertain significance for LAMA2-related muscular dystrophy. Last evaluated: 2022-01-13. Review status: criteria provided, single submitter. Criteria: Invitae Variant Classification Sherloc (09022015). Collection method: clinical testing. Allele origin: germline.
Comment: This sequence change replaces leucine, which is neutral and non-polar, with proline, which is neutral and non-polar, at codon 3101 of the LAMA2 protein (p.Leu3101Pro). This variant is not present in population databases (gnomAD no frequency). This variant has not been reported in the literature in individuals affected with LAMA2-related conditions. ClinVar contains an entry for this variant (Variation ID: 963620). Advanced modeling of protein sequence and biophysical properties (such as structural, functional, and spatial information, amino acid conservation, physicochemical variation, residue mobility, and thermodynamic stability) performed at Invitae indicates that this missense variant is not expected to disrupt LAMA2 protein function. In summary, the available evidence is currently insufficient to determine the role of this variant in disease. Therefore, it has been classified as a Variant of Uncertain Significance.

NM_000426.4(LAMA2):c.9302T>C (p.Leu3101Pro)

Gene: LAMA2 (laminin subunit alpha 2; plus strand). Cytogenetic location: 6q22.33.
Variant type: single nucleotide variant.
Coding change: c.9302T>C on transcript NM_000426.4 (MANE Select); coding-DNA position 9302, T replaced by C.
Protein change: p.Leu3101Pro; replaces leucine 3101 with proline.
Molecular consequence: missense variant.
Genome position (GRCh38, 1-based): chr6:129,516,280, T>C. VCF-style: chr6-129516280-T-C. GRCh37 (hg19) VCF-style: chr6-129837425-T-C.
Other names: c.9290T>C, p.Leu3097Pro (NM_001079823.2); short protein forms L3097P, L3101P.
Identifiers: ClinVar variation 963620 (VCV000963620.3), dbSNP rs779575092, ClinGen allele CA365637364.